The following is an entry in ClinVar:

NM_006096.4(NDRG1):c.514T>C (p.Trp172Arg)

Gene: NDRG1 (N-myc downstream regulated 1; minus strand). Cytogenetic location: 8q24.22.
Variant type: single nucleotide variant.
Coding change: c.514T>C on transcript NM_006096.4 (MANE Select); coding-DNA position 514, T replaced by C.
Protein change: p.Trp172Arg; replaces tryptophan 172 with arginine.
Molecular consequence: missense variant.
Genome position (GRCh38, 1-based): chr8:133,256,800, A>G on the plus strand (T>C on the coding strand, the complement: NDRG1 is on the minus strand). VCF-style: chr8-133256800-A-G. GRCh37 (hg19) VCF-style: chr8-134269043-A-G.
Other names: p.Trp172Arg; c.514T>C, p.Trp172Arg (NM_001135242.2, NM_001374844.1, NM_001374845.1 and 1 more transcripts); c.316T>C, p.Trp106Arg (NM_001258432.2, NM_001374847.1); c.271T>C, p.Trp91Arg (NM_001258433.2); short protein forms W106R, W172R, W91R.
Identifiers: ClinVar variation 3379836 (VCV003379836.1).
Genomic context (GRCh38, chr8:133,256,800, plus strand): 5'-GCAGGGATCCCGCCGGCCTGACAGGCCCCCACCTCACCTTGGAGGCGGCCCAGTCCATCC[A>G]GCCTTCCGCACAAGGGTTCACGTTGATAAGGACAAGGCCCTCCACCATCTCAGGGTTGTT-3'
Protein context (NP_006087.2, residues 162-182): LINVNPCAEG[Trp172Arg]MDWAASKISG

ClinVar aggregate classification (germline): Uncertain significance (1 of 4 stars; one submission).

Submission:

Mayo Clinic Laboratories, Mayo Clinic
Classification: Uncertain significance. Last evaluated: 2024-08-23. Review status: criteria provided, single submitter. Criteria: ACMG Guidelines, 2015. Collection method: clinical testing. Allele origin: germline. Observed: 1 variant allele.
Comment: PM2